The following is an entry in ClinVar:

NM_004415.4(DSP):c.8093T>C (p.Phe2698Ser)

Gene: DSP (desmoplakin; plus strand). Cytogenetic location: 6p24.3.
Variant type: single nucleotide variant.
Coding change: c.8093T>C on transcript NM_004415.4 (MANE Select); coding-DNA position 8093, T replaced by C.
Protein change: p.Phe2698Ser; replaces phenylalanine 2698 with serine.
Molecular consequence: missense variant.
Genome position (GRCh38, 1-based): chr6:7,585,355, T>C. VCF-style: chr6-7585355-T-C. GRCh37 (hg19) VCF-style: chr6-7585588-T-C.
Other names: c.6296T>C, p.Phe2099Ser (NM_001008844.3); c.6764T>C, p.Phe2255Ser (NM_001319034.2); short protein forms F2099S, F2255S, F2698S.
Identifiers: ClinVar variation 1010936 (VCV001010936.9), dbSNP rs1759618009, ClinGen allele CA362694422.

ClinVar aggregate classification (germline): Uncertain significance (1 of 4 stars; one submission).

Conditions:
Arrhythmogenic right ventricular dysplasia 8 (ARVD8). Also called: ARRHYTHMOGENIC RIGHT VENTRICULAR DYSPLASIA, FAMILIAL, 8; ARRHYTHMOGENIC RIGHT VENTRICULAR CARDIOMYOPATHY 8; Arrhythmogenic Right Ventricular Dysplasia/Cardiomyopathy 8. Identifiers: MedGen C1843896, MONDO:0011831, OMIM 607450.
Arrhythmogenic cardiomyopathy with wooly hair and keratoderma. Also called: Arrhythmogenic cardiomyopathy with woolly hair and keratoderma; Dilated cardiomyopathy with woolly hair and keratoderma; Carvajal syndrome; PALMOPLANTAR KERATODERMA WITH LEFT VENTRICULAR CARDIOMYOPATHY AND WOOLLY HAIR. Identifiers: Orphanet 65282, MedGen C1854063, MONDO:0011581, OMIM 605676.

Submission:

Labcorp Genetics (formerly Invitae), Labcorp
Classification: Uncertain significance for Arrhythmogenic cardiomyopathy with wooly hair and keratoderma; Arrhythmogenic right ventricular dysplasia 8. Last evaluated: 2022-09-12. Review status: criteria provided, single submitter. Criteria: Invitae Variant Classification Sherloc (09022015). Collection method: clinical testing. Allele origin: germline.
Comment: ClinVar contains an entry for this variant (Variation ID: 1010936). This variant has not been reported in the literature in individuals affected with DSP-related conditions. Algorithms developed to predict the effect of missense changes on protein structure and function (SIFT, PolyPhen-2, Align-GVGD) all suggest that this variant is likely to be disruptive. This variant is not present in population databases (gnomAD no frequency). In summary, the available evidence is currently insufficient to determine the role of this variant in disease. Therefore, it has been classified as a Variant of Uncertain Significance. This sequence change replaces phenylalanine, which is neutral and non-polar, with serine, which is neutral and polar, at codon 2698 of the DSP protein (p.Phe2698Ser).